The following is an entry in ClinVar:

ClinVar aggregate classification (germline): Uncertain significance (1 of 4 stars; one submission).

Conditions:
Inborn genetic diseases. Identifiers: MedGen C0950123, MeSH D030342.

Submission:

Ambry Genetics
Classification: Uncertain significance for Inborn genetic diseases. Last evaluated: 2025-02-17. Review status: criteria provided, single submitter. Criteria: Ambry Variant Classification Scheme 2023. Collection method: clinical testing. Allele origin: germline.
Comment: The p.K744T variant (also known as c.2231A>C), located in coding exon 18 of the DNMT3A gene, results from an A to C substitution at nucleotide position 2231. The lysine at codon 744 is replaced by threonine, an amino acid with similar properties. This amino acid position is conserved. In addition, this alteration is predicted to be deleterious by in silico analysis. Based on the available evidence, the clinical significance of this variant remains unclear.

NM_022552.5(DNMT3A):c.2231A>C (p.Lys744Thr)

Gene: DNMT3A (DNA methyltransferase 3 alpha; minus strand). Cytogenetic location: 2p23.3.
Variant type: single nucleotide variant.
Coding change: c.2231A>C on transcript NM_022552.5 (MANE Select); coding-DNA position 2231, A replaced by C.
Protein change: p.Lys744Thr; replaces lysine 744 with threonine.
Molecular consequence: missense variant. On other transcripts: non-coding transcript variant (1).
Genome position (GRCh38, 1-based): chr2:25,240,393, T>G on the plus strand (A>C on the coding strand, the complement: DNMT3A is on the minus strand). VCF-style: chr2-25240393-T-G. GRCh37 (hg19) VCF-style: chr2-25463262-T-G.
Other names: c.1775A>C, p.Lys592Thr (NM_001320893.1); c.1562A>C, p.Lys521Thr (NM_001375819.1); c.1664A>C, p.Lys555Thr (NM_153759.3); c.2231A>C, p.Lys744Thr (NM_175629.2); short protein forms K592T, K744T, K555T, K521T.
Identifiers: ClinVar variation 3841799 (VCV003841799.1).